The following is an entry in ClinVar:

ClinVar aggregate classification (germline): Benign/Likely benign. Review status: criteria provided, multiple submitters, no conflicts (2 of 4 stars). 4 submissions from 4 submitters: Benign (1); Likely benign (3). Last evaluated 2026-06-30.

Conditions:
Sessile serrated polyposis cancer syndrome (SSPCS). Identifiers: Orphanet 157798, MedGen C4310714, MONDO:0014919, OMIM 617108.

gnomAD v4.1: 2 of 1,586,514 alleles (0.00013%); highest among the groups gnomAD compares: East Asian, 0.0046%; no homozygotes.

Submissions (4):

Myriad Genetics, Inc.
Classification: Benign for Sessile serrated polyposis cancer syndrome. Last evaluated: 2026-06-30. Review status: criteria provided, single submitter. Criteria: Myriad Autosomal Dominant, Autosomal Recessive and X-Linked Classification Criteria (2023). Collection method: clinical testing. Allele origin: unknown.
Comment: This variant is considered benign. This variant is a silent/synonymous amino acid change and it is not expected to impact splicing.

Labcorp Genetics (formerly Invitae), Labcorp
Classification: Likely benign. Last evaluated: 2025-05-27. Review status: criteria provided, single submitter. Criteria: Invitae Variant Classification Sherloc (09022015). Collection method: clinical testing. Allele origin: germline.

Ambry Genetics
Classification: Likely benign. Last evaluated: 2025-02-16. Review status: criteria provided, single submitter. Criteria: Ambry Variant Classification Scheme 2023. Collection method: clinical testing. Allele origin: germline.

Blueprint Genetics
Classification: Likely benign. Last evaluated: 2022-11-17. Review status: criteria provided, single submitter. Criteria: ACMG Guidelines, 2015. Collection method: clinical testing. Allele origin: germline.

NM_017763.6(RNF43):c.703A>C (p.Arg235=)

Gene: RNF43 (ring finger protein 43; minus strand). Cytogenetic location: 17q22.
Variant type: single nucleotide variant.
Coding change: c.703A>C on transcript NM_017763.6 (MANE Select); coding-DNA position 703, A replaced by C.
Protein change: p.Arg235=; no amino-acid change (arginine 235 retained).
Molecular consequence: synonymous variant.
Genome position (GRCh38, 1-based): chr17:58,360,929, T>G on the plus strand (A>C on the coding strand, the complement: RNF43 is on the minus strand). VCF-style: chr17-58360929-T-G. GRCh37 (hg19) VCF-style: chr17-56438290-T-G.
Other names: c.703A>C, p.Arg235= (NM_001305544.3); c.322A>C, p.Arg108= (NM_001305545.2).
Identifiers: ClinVar variation 2895535 (VCV002895535.6), dbSNP rs745979385, ClinGen allele CA8673314.